The following is an entry in ClinVar:

ClinVar aggregate classification (germline): Likely benign (0 of 4 stars; one submission).

Conditions:
FLI1-related disorder. Also called: FLI1-related condition.

Allele frequency attached by ClinVar (database versions not stated): gnomAD exomes below 0.00001; gnomAD 0.00001.
gnomAD v4.1: 4 of 1,612,712 alleles (0.00025%); highest among the groups gnomAD compares: East Asian, 0.0022%; no homozygotes.

Submission:

PreventionGenetics, part of Exact Sciences
Classification: Likely benign for FLI1-related condition. Last evaluated: 2021-07-06. Review status: no assertion criteria provided. Collection method: clinical testing. Allele origin: germline.
Comment: This variant is classified as likely benign based on ACMG/AMP sequence variant interpretation guidelines (Richards et al. 2015 PMID: 25741868, with internal and published modifications).

NM_002017.5(FLI1):c.36G>A (p.Val12=)

Gene: FLI1 (Fli-1 proto-oncogene, ETS transcription factor; plus strand). Cytogenetic location: 11q24.3.
Variant type: single nucleotide variant.
Coding change: c.36G>A on transcript NM_002017.5 (MANE Select); coding-DNA position 36, G replaced by A.
Protein change: p.Val12=; no amino-acid change (valine 12 retained).
Molecular consequence: synonymous variant. On other transcripts: 5 prime UTR variant (3).
Genome position (GRCh38, 1-based): chr11:128,758,132, G>A. VCF-style: chr11-128758132-G-A. GRCh37 (hg19) VCF-style: chr11-128628027-G-A.
Other names: c.-334G>A (NM_001271010.2); c.-185G>A (NM_001271012.2); c.-64G>A (NM_001167681.3).
Identifiers: ClinVar variation 3029389 (VCV003029389.2), dbSNP rs1241457903, ClinGen allele CA477524731.